The following is an entry in ClinVar:

NM_017763.6(RNF43):c.1322C>T (p.Pro441Leu)

Gene: RNF43 (ring finger protein 43; minus strand). Cytogenetic location: 17q22.
Variant type: single nucleotide variant.
Coding change: c.1322C>T on transcript NM_017763.6 (MANE Select); coding-DNA position 1322, C replaced by T.
Protein change: p.Pro441Leu; replaces proline 441 with leucine.
Molecular consequence: missense variant.
Genome position (GRCh38, 1-based): chr17:58,358,454, G>A on the plus strand (C>T on the coding strand, the complement: RNF43 is on the minus strand). VCF-style: chr17-58358454-G-A. GRCh37 (hg19) VCF-style: chr17-56435815-G-A.
Other names: c.1322C>T, p.Pro441Leu (NM_001305544.3); c.941C>T, p.Pro314Leu (NM_001305545.2); short protein forms P314L, P441L.
Identifiers: ClinVar variation 3789895 (VCV003789895.1).

ClinVar aggregate classification (germline): Uncertain significance (1 of 4 stars; one submission).

Submission:

Ambry Genetics
Classification: Uncertain significance. Last evaluated: 2025-01-13. Review status: criteria provided, single submitter. Criteria: Ambry Variant Classification Scheme 2023. Collection method: clinical testing. Allele origin: germline.
Comment: The p.P441L variant (also known as c.1322C>T), located in coding exon 8 of the RNF43 gene, results from a C to T substitution at nucleotide position 1322. The proline at codon 441 is replaced by leucine, an amino acid with similar properties. This amino acid position is conserved. In addition, this alteration is predicted to be tolerated by in silico analysis. Based on the available evidence, the clinical significance of this variant remains unclear.